The following is an entry in ClinVar:

ClinVar aggregate classification (germline): Uncertain significance (1 of 4 stars; one submission).

Conditions:
Hereditary cancer-predisposing syndrome. Also called: Hereditary neoplastic syndrome; Neoplastic Syndromes, Hereditary; Tumor predisposition; Hereditary Cancer Syndrome. Identifiers: Orphanet 140162, MedGen C0027672, MeSH D009386, MONDO:0015356.

Submission:

Ambry Genetics
Classification: Uncertain significance for Hereditary cancer-predisposing syndrome. Last evaluated: 2025-01-14. Review status: criteria provided, single submitter. Criteria: Ambry Variant Classification Scheme 2023. Collection method: clinical testing. Allele origin: germline.
Comment: The c.4863A>T variant (also known as p.*1621Cext*41), located in coding exon 29 of the ALK gene, results from an A to T substitution at nucleotide position 4863. This alteration disrupts the stop codon of the ALK gene and is predicted to preserve the native sequence while resulting in the elongation of the protein by 41 amino acids. The exact functional effect of the additional amino acids is unknown. Based on the available evidence, the clinical significance of this variant remains unclear.

NM_004304.5(ALK):c.4863A>T (p.Ter1621Cys)

Gene: ALK (ALK receptor tyrosine kinase; minus strand). Cytogenetic location: 2p23.2.
Variant type: single nucleotide variant.
Coding change: c.4863A>T on transcript NM_004304.5 (MANE Select); coding-DNA position 4863, A replaced by T.
Protein change: p.Ter1621Cys.
Molecular consequence: stop lost.
Genome position (GRCh38, 1-based): chr2:29,193,224, T>A on the plus strand (A>T on the coding strand, the complement: ALK is on the minus strand). VCF-style: chr2-29193224-T-A. GRCh37 (hg19) VCF-style: chr2-29416090-T-A.
Other names: c.1659A>T, p.Ter553Cys (NM_001353765.2).
Identifiers: ClinVar variation 3855124 (VCV003855124.1).